The following is an entry in ClinVar:

ClinVar aggregate classification (germline): Likely benign. Review status: criteria provided, multiple submitters, no conflicts (2 of 4 stars). 2 submissions from 2 submitters: Likely benign (2). Last evaluated 2025-12-23.

Conditions:
Arrhythmogenic right ventricular dysplasia 11. Also called: Arrhythmogenic Right Ventricular Dysplasia/Cardiomyopathy11; ARRHYTHMOGENIC RIGHT VENTRICULAR DYSPLASIA, FAMILIAL, 11; Arrhythmogenic right ventricular dysplasia 11 with mild palmoplantar keratoderma and woolly hair. Identifiers: MedGen C1864850, MONDO:0012506, OMIM 610476.

Allele frequency attached by ClinVar (database versions not stated): gnomAD 0.00003 and 0.00004; gnomAD exomes 0.00001; TOPMed 0.00006.
gnomAD v4.1: 12 of 1,613,786 alleles (0.00074%); highest among the groups gnomAD compares: Admixed American, 0.013%; no homozygotes.

Submissions (2):

Labcorp Genetics (formerly Invitae), Labcorp
Classification: Likely benign for Arrhythmogenic right ventricular dysplasia 11. Last evaluated: 2025-12-23. Review status: criteria provided, single submitter. Criteria: Invitae Variant Classification Sherloc (09022015). Collection method: clinical testing. Allele origin: germline.

GeneDx
Classification: Likely benign. Last evaluated: 2016-02-11. Review status: criteria provided, single submitter. Criteria: GeneDx Variant Classification (06012015). Collection method: clinical testing. Allele origin: germline. Affected: yes.
Comment: This variant is considered likely benign or benign based on one or more of the following criteria: it is a conservative change, it occurs at a poorly conserved position in the protein, it is predicted to be benign by multiple in silico algorithms, and/or has population frequency not consistent with disease.

NM_024422.6(DSC2):c.2509-16T>C

Gene: DSC2 (desmocollin 2; minus strand). Cytogenetic location: 18q12.1.
Variant type: single nucleotide variant.
Coding change: c.2509-16T>C on transcript NM_024422.6 (MANE Select); 16 bases into the intron before coding-DNA position 2509, T replaced by C.
Molecular consequence: intron variant.
Genome position (GRCh38, 1-based): chr18:31,068,228, A>G on the plus strand (T>C on the coding strand, the complement: DSC2 is on the minus strand). VCF-style: chr18-31068228-A-G. GRCh37 (hg19) VCF-style: chr18-28648194-A-G.
Other names: c.11-16T>C (NM_004949.5).
Identifiers: ClinVar variation 383528 (VCV000383528.5), dbSNP rs978907622, ClinGen allele CA16608723.